The following is an entry in ClinVar:

NM_201384.3(PLEC):c.8030C>T (p.Thr2677Ile)

Gene: PLEC (plectin; minus strand). Cytogenetic location: 8q24.3.
Variant type: single nucleotide variant.
Coding change: c.8030C>T on transcript NM_201384.3 (MANE Select); coding-DNA position 8030, C replaced by T.
Protein change: p.Thr2677Ile; replaces threonine 2677 with isoleucine.
Molecular consequence: missense variant.
Genome position (GRCh38, 1-based): chr8:143,921,791, G>A on the plus strand (C>T on the coding strand, the complement: PLEC is on the minus strand). VCF-style: chr8-143921791-G-A. GRCh37 (hg19) VCF-style: chr8-144995959-G-A.
Other names: c.8111C>T, p.Thr2704Ile (NM_000445.5); c.7988C>T, p.Thr2663Ile (NM_201378.4); c.7964C>T, p.Thr2655Ile (NM_201379.3); c.8441C>T, p.Thr2814Ile (NM_201380.4); c.7934C>T, p.Thr2645Ile (NM_201381.3); c.8030C>T, p.Thr2677Ile (NM_201382.4); c.8042C>T, p.Thr2681Ile (NM_201383.3); c.8111C>T (NM_000445.3); short protein forms T2655I, T2677I, T2663I, T2704I, T2645I, T2814I, T2681I.
Identifiers: ClinVar variation 810324 (VCV000810324.53), dbSNP rs781973277, ClinGen allele CA4925446.

ClinVar aggregate classification (germline): Uncertain significance. Review status: criteria provided, multiple submitters, no conflicts (2 of 4 stars). 4 submissions from 4 submitters: Uncertain significance (4). Last evaluated 2025-09-02.

Conditions:
Epidermolysis bullosa simplex, Ogna type (EBS5A). Also called: Pidermolysis bullosa simplex 5A, Ogna type; EPIDERMOLYSIS BULLOSA SIMPLEX 5A, OGNA TYPE. Identifiers: Orphanet 79401, MedGen C0432317, MONDO:0007555, OMIM 131950.
Epidermolysis bullosa simplex 5C, with pyloric atresia (EBS5C). Also called: PLEC1-Related Epidermolysis Bullosa with Pyloric Atresia; PLEC-Related Epidermolysis Bullosa with Pyloric Atresia; Epidermolysis bullosa simplex with pyloric atresia. Identifiers: Orphanet 158684, MedGen C2677349, MONDO:0012807, OMIM 612138.
Epidermolysis bullosa simplex 5B, with muscular dystrophy (EBS5B). Also called: Epidermolysis bullosa simplex with muscular dystrophy; EPIDERMOLYSIS BULLOSA SIMPLEX AND LIMB-GIRDLE MUSCULAR DYSTROPHY. Identifiers: Orphanet 257, MedGen C2931072, MONDO:0009181, OMIM 226670.
Epidermolysis bullosa simplex with nail dystrophy (EBS5D). Identifiers: MedGen C4225309, MONDO:0014661, OMIM 616487.
Autosomal recessive limb-girdle muscular dystrophy type 2Q (LGMDR17). Also called: MUSCULAR DYSTROPHY, LIMB-GIRDLE, AUTOSOMAL RECESSIVE 17. Identifiers: Orphanet 254361, MedGen C3150989, MONDO:0013390, OMIM 613723.
Inborn genetic diseases. Identifiers: MedGen C0950123, MeSH D030342.

Allele frequency attached by ClinVar (database versions not stated): TOPMed below 0.00001; gnomAD exomes 0.00001; ExAC 0.00002.
gnomAD v4.1: 17 of 1,610,650 alleles (0.0011%); highest among the groups gnomAD compares: Middle Eastern, 0.21%; no homozygotes.

Submissions (4):

Ambry Genetics
Classification: Uncertain significance for Inborn genetic diseases. Last evaluated: 2025-09-02. Review status: criteria provided, single submitter. Criteria: Ambry Variant Classification Scheme 2023. Collection method: clinical testing. Allele origin: germline.

Labcorp Genetics (formerly Invitae), Labcorp
Classification: Uncertain significance for Autosomal recessive limb-girdle muscular dystrophy type 2Q; Epidermolysis bullosa simplex, Ogna type; Epidermolysis bullosa simplex with nail dystrophy; Epidermolysis bullosa simplex 5C, with pyloric atresia; Epidermolysis bullosa simplex 5B, with muscular dystrophy. Last evaluated: 2025-07-15. Review status: criteria provided, single submitter. Criteria: Invitae Variant Classification Sherloc (09022015). Collection method: clinical testing. Allele origin: germline.
Comment: This sequence change replaces threonine, which is neutral and polar, with isoleucine, which is neutral and non-polar, at codon 2704 of the PLEC protein (p.Thr2704Ile). This variant is present in population databases (rs781973277, gnomAD 0.003%). This variant has not been reported in the literature in individuals affected with PLEC-related conditions. ClinVar contains an entry for this variant (Variation ID: 810324). An algorithm developed to predict the effect of missense changes on protein structure and function (PolyPhen-2) suggests that this variant is likely to be tolerated. In summary, the available evidence is currently insufficient to determine the role of this variant in disease. Therefore, it has been classified as a Variant of Uncertain Significance.

Revvity Omics, Revvity
Classification: Uncertain significance. Last evaluated: 2020-07-31. Review status: criteria provided, single submitter. Criteria: ACMG Guidelines, 2015. Collection method: clinical testing. Allele origin: germline.

CeGaT Center for Human Genetics Tuebingen
Classification: Uncertain significance. Last evaluated: 2016-05-01. Review status: criteria provided, single submitter. Criteria: CeGaT Center For Human Genetics Tuebingen Variant Classification Criteria Version 2. Collection method: clinical testing. Allele origin: germline. Affected: yes. Observed: 1 variant allele.